The following is an entry in ClinVar:

NM_000075.4(CDK4):c.493T>G (p.Tyr165Asp)

Gene: CDK4 (cyclin dependent kinase 4; minus strand). Cytogenetic location: 12q14.1.
Variant type: single nucleotide variant.
Coding change: c.493T>G on transcript NM_000075.4 (MANE Select); coding-DNA position 493, T replaced by G.
Protein change: p.Tyr165Asp; replaces tyrosine 165 with aspartic acid.
Molecular consequence: missense variant.
Genome position (GRCh38, 1-based): chr12:57,750,952, A>C on the plus strand (T>G on the coding strand, the complement: CDK4 is on the minus strand). VCF-style: chr12-57750952-A-C. GRCh37 (hg19) VCF-style: chr12-58144735-A-C.
Other names: short protein forms Y165D.
Identifiers: ClinVar variation 2566774 (VCV002566774.3), dbSNP rs2140386367, ClinGen allele CA385546219.

ClinVar aggregate classification (germline): Uncertain significance (1 of 4 stars; one submission).

Conditions:
Hereditary cancer-predisposing syndrome. Also called: Hereditary neoplastic syndrome; Hereditary Cancer Syndrome; Neoplastic Syndromes, Hereditary; Tumor predisposition. Identifiers: Orphanet 140162, MedGen C0027672, MeSH D009386, MONDO:0015356.

Submission:

Ambry Genetics
Classification: Uncertain significance for Hereditary cancer-predisposing syndrome. Last evaluated: 2024-09-20. Review status: criteria provided, single submitter. Criteria: Ambry Variant Classification Scheme 2023. Collection method: clinical testing. Allele origin: germline.
Comment: The p.Y165D variant (also known as c.493T>G), located in coding exon 3 of the CDK4 gene, results from a T to G substitution at nucleotide position 493. The tyrosine at codon 165 is replaced by aspartic acid, an amino acid with highly dissimilar properties. This amino acid position is well conserved in available vertebrate species. In addition, this alteration is predicted to be deleterious by in silico analysis. Based on the available evidence, the clinical significance of this variant remains unclear.